The following is an entry in ClinVar:

ClinVar aggregate classification (germline): Pathogenic (1 of 4 stars; one submission).

Conditions:
Malignant tumor of breast. Also called: Malignant breast neoplasm; Cancer breast. Identifiers: MedGen C0006142, MONDO:0007254. Disease mechanism: loss of function.

Submission:

Women's Health and Genetics/Laboratory Corporation of America, LabCorp
Classification: Pathogenic for Malignant tumor of breast. Last evaluated: 2021-07-15. Review status: criteria provided, single submitter. Criteria: LabCorp Variant Classification Summary - May 2015. Collection method: clinical testing. Allele origin: germline.
Comment: Variant summary: The variant identified by MLPA or other technology involves the deletion of exons 7-13 in the PALB2 gene. A presumed nomenclature of c.(2586+1_2587-1)_(*298_?)del has been designated for the purposes of this classification. Although the exact breakpoints of this deletion are not known, it is expected to cause a C-terminal truncation, removing a large part (i.e. amino acids 863-1186) of the PALB2 protein, which includes the WD40 domain (amino acids 846-1184; IPR031920), required for binding to the N-terminus of BRCA2 (PMID: 19609323, InterPro). Other PALB2 variants predicted to result in a truncated WD40 domain have been classified as pathogenic by our laboratory (e.g. c.3362delG (p.Gly1121ValfsX3), c.3549C>A/G (p.Tyr1183X)). The variant was absent in 21694 control chromosomes (gnomAD Structural Variants dataset). The deletion of exons 7-13 has been reported in the literature in individuals who had personal and/or family history of cancer and therefore underwent hereditary cancer testing (LaDuca_2014, Vysotskaia_2017). To our knowledge, no experimental evidence demonstrating an impact on protein function has been reported. One ClinVar submitter (evaluation after 2014) cites a similar variant as pathogenic. Based on the evidence outlined above, the variant was classified as pathogenic.

Literature cited by the submitters: PubMed 24763289; PubMed 28243543.

NC_000016.9:g.(?_23614482)_(23637719_23640524)del

Gene: PALB2 (partner and localizer of BRCA2; minus strand). Cytogenetic location: 16p12.2.
Variant type: Deletion.
Identifiers: ClinVar variation 1192250 (VCV001192250.2).